The following is an entry in ClinVar:

ClinVar aggregate classification (germline): Uncertain significance (1 of 4 stars; one submission).

Allele frequency attached by ClinVar (database versions not stated): gnomAD exomes below 0.00001; gnomAD 0.00001; ExAC 0.00002; TOPMed 0.00002; 1000 Genomes Project 30x 0.00016; 1000 Genomes Project 0.00020.
gnomAD v4.1: 4 of 1,613,986 alleles (0.00025%); highest among the groups gnomAD compares: East Asian, 0.0067%; no homozygotes.

Submission:

Labcorp Genetics (formerly Invitae), Labcorp
Classification: Uncertain significance. Last evaluated: 2025-09-06. Review status: criteria provided, single submitter. Criteria: Invitae Variant Classification Sherloc (09022015). Collection method: clinical testing. Allele origin: germline.
Comment: This sequence change replaces proline, which is neutral and non-polar, with serine, which is neutral and polar, at codon 571 of the ANKZF1 protein (p.Pro571Ser). This variant is present in population databases (rs530933595, gnomAD 0.02%). This variant has not been reported in the literature in individuals affected with ANKZF1-related conditions. ClinVar contains an entry for this variant (Variation ID: 1946365). An algorithm developed to predict the effect of missense changes on protein structure and function (PolyPhen-2) suggests that this variant is likely to be disruptive. In summary, the available evidence is currently insufficient to determine the role of this variant in disease. Therefore, it has been classified as a Variant of Uncertain Significance.

NM_018089.3(ANKZF1):c.1711C>T (p.Pro571Ser)

Gene: ANKZF1 (ankyrin repeat and zinc finger peptidyl tRNA hydrolase 1; plus strand). Cytogenetic location: 2q35.
Variant type: single nucleotide variant.
Coding change: c.1711C>T on transcript NM_018089.3 (MANE Select); coding-DNA position 1711, C replaced by T.
Protein change: p.Pro571Ser; replaces proline 571 with serine.
Molecular consequence: missense variant.
Genome position (GRCh38, 1-based): chr2:219,235,493, C>T. VCF-style: chr2-219235493-C-T. GRCh37 (hg19) VCF-style: chr2-220100215-C-T.
Other names: c.1711C>T, p.Pro571Ser (NM_001042410.2); c.1081C>T, p.Pro361Ser (NM_001282792.2); short protein forms P361S, P571S.
Identifiers: ClinVar variation 1946365 (VCV001946365.5), dbSNP rs530933595, ClinGen allele CA2121146.